The following is an entry in ClinVar:

ClinVar aggregate classification (germline): Likely benign. Review status: criteria provided, multiple submitters, no conflicts (2 of 4 stars). 2 submissions from 2 submitters: Likely benign (2). Last evaluated 2026-04-07.

Conditions:
PKP2-related disorder. Also called: PKP2-related condition.
Arrhythmogenic right ventricular dysplasia 9 (ARVD9). Also called: Arrhythmogenic Right Ventricular Dysplasia/Cardiomyopathy 9; ARRHYTHMOGENIC RIGHT VENTRICULAR DYSPLASIA, FAMILIAL, 9. Identifiers: MedGen C1836906, MONDO:0012180, OMIM 609040.

Allele frequency attached by ClinVar (database versions not stated): gnomAD exomes 0.00001 and 0.00002; ExAC 0.00005; TOPMed 0.00007; ESP Exome Variant Server 0.00031.
gnomAD v4.1: 18 of 1,613,184 alleles (0.0011%); highest among the groups gnomAD compares: African/African-American, 0.011%; no homozygotes.

Submissions (2):

PreventionGenetics, part of Exact Sciences
Classification: Likely benign for PKP2-related condition. Last evaluated: 2026-04-07. Review status: criteria provided, single submitter. Criteria: ACMG Guidelines, 2015. Collection method: clinical testing. Allele origin: germline.
Comment: This variant is classified as likely benign based on ACMG/AMP sequence variant interpretation guidelines (Richards et al. 2015 PMID: 25741868, with internal and published modifications).

Labcorp Genetics (formerly Invitae), Labcorp
Classification: Likely benign for Arrhythmogenic right ventricular dysplasia 9. Last evaluated: 2026-02-03. Review status: criteria provided, single submitter. Criteria: Invitae Variant Classification Sherloc (09022015). Collection method: clinical testing. Allele origin: germline.

NM_001005242.3(PKP2):c.2167+8G>A

Gene: PKP2 (plakophilin 2; minus strand). Cytogenetic location: 12p11.21.
Variant type: single nucleotide variant.
Coding change: c.2167+8G>A on transcript NM_001005242.3 (MANE Select); 8 bases into the intron after coding-DNA position 2167, G replaced by A.
Molecular consequence: intron variant.
Genome position (GRCh38, 1-based): chr12:32,802,395, C>T on the plus strand (G>A on the coding strand, the complement: PKP2 is on the minus strand). VCF-style: chr12-32802395-C-T. GRCh37 (hg19) VCF-style: chr12-32955329-C-T.
Other names: c.2299+8G>A (NM_004572.4).
Identifiers: ClinVar variation 703282 (VCV000703282.13), dbSNP rs371564682, ClinGen allele CA034258.